The following is an entry in ClinVar:

ClinVar aggregate classification (germline): Uncertain significance (1 of 4 stars; one submission).

Allele frequency attached by ClinVar (database versions not stated): gnomAD exomes below 0.00001; ExAC 0.00001; ESP Exome Variant Server 0.00008.
gnomAD v4.1: 2 of 1,613,848 alleles (0.00012%); highest among the groups gnomAD compares: Non-Finnish European, 0.00017%; no homozygotes.

Submission:

Labcorp Genetics (formerly Invitae), Labcorp
Classification: Uncertain significance. Last evaluated: 2024-01-24. Review status: criteria provided, single submitter. Criteria: Invitae Variant Classification Sherloc (09022015). Collection method: clinical testing. Allele origin: germline.
Comment: This sequence change replaces arginine, which is basic and polar, with cysteine, which is neutral and slightly polar, at codon 1048 of the CYFIP2 protein (p.Arg1048Cys). This variant is present in population databases (rs374707103, gnomAD 0.0009%). This variant has not been reported in the literature in individuals affected with CYFIP2-related conditions. ClinVar contains an entry for this variant (Variation ID: 1982238). Experimental studies and prediction algorithms are not available or were not evaluated, and the functional significance of this variant is currently unknown. In summary, the available evidence is currently insufficient to determine the role of this variant in disease. Therefore, it has been classified as a Variant of Uncertain Significance.

NM_001037333.3(CYFIP2):c.3142C>T (p.Arg1048Cys)

Genes: CYFIP2 (cytoplasmic FMR1 interacting protein 2; plus strand), NIPAL4-DT (NIPAL4 divergent transcript; minus strand). Cytogenetic location: 5q33.3.
Variant type: single nucleotide variant.
Coding change: c.3142C>T on transcript NM_001037333.3 (MANE Select); coding-DNA position 3142, C replaced by T.
Protein change: p.Arg1048Cys; replaces arginine 1048 with cysteine.
Molecular consequence: missense variant.
Genome position (GRCh38, 1-based): chr5:157,383,294, C>T. VCF-style: chr5-157383294-C-T. GRCh37 (hg19) VCF-style: chr5-156810302-C-T.
Other names: c.3064C>T, p.Arg1022Cys (NM_001291721.2); c.3217C>T, p.Arg1073Cys (NM_001291722.2); c.3142C>T, p.Arg1048Cys (NM_014376.4); short protein forms R1048C, R1073C, R1022C.
Identifiers: ClinVar variation 1982238 (VCV001982238.4), dbSNP rs374707103, ClinGen allele CA3534256.